The following is an entry in ClinVar:

NM_001734.5(C1S):c.1466C>G (p.Ser489Cys)

Gene: C1S (complement C1s; plus strand). Cytogenetic location: 12p13.31.
Variant type: single nucleotide variant.
Coding change: c.1466C>G on transcript NM_001734.5 (MANE Select); coding-DNA position 1466, C replaced by G.
Protein change: p.Ser489Cys; replaces serine 489 with cysteine.
Molecular consequence: missense variant.
Genome position (GRCh38, 1-based): chr12:7,070,050, C>G. VCF-style: chr12-7070050-C-G. GRCh37 (hg19) VCF-style: chr12-7177354-C-G.
Other names: c.965C>G, p.Ser322Cys (NM_001346850.2); c.1466C>G, p.Ser489Cys (NM_201442.4); short protein forms S489C, S322C.
Identifiers: ClinVar variation 3681933 (VCV003681933.2).

ClinVar aggregate classification (germline): Uncertain significance (1 of 4 stars; one submission).

Submission:

Labcorp Genetics (formerly Invitae), Labcorp
Classification: Uncertain significance. Last evaluated: 2024-06-24. Review status: criteria provided, single submitter. Criteria: Invitae Variant Classification Sherloc (09022015). Collection method: clinical testing. Allele origin: germline.
Comment: This sequence change replaces serine, which is neutral and polar, with cysteine, which is neutral and slightly polar, at codon 489 of the C1S protein (p.Ser489Cys). This variant is not present in population databases (gnomAD no frequency). This variant has not been reported in the literature in individuals affected with C1S-related conditions. Advanced modeling of protein sequence and biophysical properties (such as structural, functional, and spatial information, amino acid conservation, physicochemical variation, residue mobility, and thermodynamic stability) performed at Invitae indicates that this missense variant is expected to disrupt C1S protein function with a positive predictive value of 80%. In summary, the available evidence is currently insufficient to determine the role of this variant in disease. Therefore, it has been classified as a Variant of Uncertain Significance.